The following is an entry in ClinVar:

NM_032578.4(MYPN):c.271G>A (p.Ala91Thr)

Gene: MYPN (myopalladin; plus strand). Cytogenetic location: 10q21.3.
Variant type: single nucleotide variant.
Coding change: c.271G>A on transcript NM_032578.4 (MANE Select); coding-DNA position 271, G replaced by A.
Protein change: p.Ala91Thr; replaces alanine 91 with threonine.
Molecular consequence: missense variant. On other transcripts: 5 prime UTR variant (1), non-coding transcript variant (1).
Genome position (GRCh38, 1-based): chr10:68,121,709, G>A. VCF-style: chr10-68121709-G-A. GRCh37 (hg19) VCF-style: chr10-69881466-G-A.
Other names: c.271G>A, p.Ala91Thr (NM_001256267.2); c.-852G>A (NM_001256268.2); short protein forms A91T.
Identifiers: ClinVar variation 577970 (VCV000577970.16), dbSNP rs763043084, ClinGen allele CA5522247.

ClinVar aggregate classification (germline): Conflicting classifications of pathogenicity. Review status: criteria provided, conflicting classifications (1 of 4 stars). 3 submissions from 3 submitters: Uncertain significance (2); Likely benign (1). Last evaluated 2026-01-19.

Conditions:
Cardiovascular phenotype. Identifiers: MedGen CN230736.
Dilated cardiomyopathy 1KK (CMD1KK). Identifiers: Orphanet 154, Orphanet 75249, MedGen C3714995, MONDO:0014100, OMIM 615248.
MYPN-related myopathy (CMYO24). Also called: Nemaline myopathy 11, autosomal recessive. Identifiers: MedGen C4479186, MONDO:0015023, OMIM 617336.

Allele frequency attached by ClinVar (database versions not stated): ExAC 0.00001; gnomAD 0.00001; TOPMed 0.00001; gnomAD exomes 0.00002.
gnomAD v4.1: 11 of 1,614,082 alleles (0.00068%); highest among the groups gnomAD compares: Non-Finnish European, 0.00093%; no homozygotes.

Submissions (3):

Labcorp Genetics (formerly Invitae), Labcorp
Classification: Uncertain significance for Dilated cardiomyopathy 1KK. Last evaluated: 2026-01-19. Review status: criteria provided, single submitter. Criteria: Invitae Variant Classification Sherloc (09022015). Collection method: clinical testing. Allele origin: germline.
Comment: This sequence change replaces alanine, which is neutral and non-polar, with threonine, which is neutral and polar, at codon 91 of the MYPN protein (p.Ala91Thr). This variant is present in population databases (rs763043084, gnomAD 0.004%). This variant has not been reported in the literature in individuals affected with MYPN-related conditions. ClinVar contains an entry for this variant (Variation ID: 577970). An algorithm developed to predict the effect of missense changes on protein structure and function outputs the following: PolyPhen-2: "Benign". The threonine amino acid residue is found in multiple mammalian species, which suggests that this missense change does not adversely affect protein function. In summary, the available evidence is currently insufficient to determine the role of this variant in disease. Therefore, it has been classified as a Variant of Uncertain Significance.

Ambry Genetics
Classification: Likely benign for Cardiovascular phenotype. Last evaluated: 2025-01-10. Review status: criteria provided, single submitter. Criteria: Ambry Variant Classification Scheme 2023. Collection method: clinical testing. Allele origin: germline.

Fulgent Genetics
Classification: Uncertain significance for Dilated cardiomyopathy 1KK; MYPN-related myopathy. Last evaluated: 2021-11-04. Review status: criteria provided, single submitter. Criteria: ACMG Guidelines, 2015. Collection method: clinical testing. Allele origin: unknown.